The following is an entry in ClinVar:

ClinVar aggregate classification (germline): Likely benign. Review status: criteria provided, multiple submitters, no conflicts (2 of 4 stars). 3 submissions from 3 submitters: Likely benign (2). 1 of the submissions does not count toward it. Last evaluated 2025-11-16.

Conditions:
KIF11-related disorder. Also called: KIF11-related condition.

Allele frequency attached by ClinVar (database versions not stated): gnomAD exomes below 0.00001 and 0.00002; ExAC 0.00003; gnomAD 0.00005; TOPMed 0.00007; ESP Exome Variant Server 0.00008.
gnomAD v4.1: 14 of 1,599,084 alleles (0.00088%); highest among the groups gnomAD compares: African/African-American, 0.017%; no homozygotes.

Submissions (3):

Labcorp Genetics (formerly Invitae), Labcorp
Classification: Likely benign. Last evaluated: 2025-11-16. Review status: criteria provided, single submitter. Criteria: Invitae Variant Classification Sherloc (09022015). Collection method: clinical testing. Allele origin: germline.

Blueprint Genetics
Classification: Likely benign. Last evaluated: 2021-11-29. Review status: criteria provided, single submitter. Criteria: ACMG Guidelines, 2015. Collection method: clinical testing. Allele origin: germline.

PreventionGenetics, part of Exact Sciences
Classification: Likely benign for KIF11-related condition. Last evaluated: 2019-10-28. Review status: no assertion criteria provided. Collection method: clinical testing. Allele origin: germline. Not counted in ClinVar's aggregate classification.
Comment: This variant is classified as likely benign based on ACMG/AMP sequence variant interpretation guidelines (Richards et al. 2015 PMID: 25741868, with internal and published modifications).

NM_004523.4(KIF11):c.1104A>G (p.Lys368=)

Gene: KIF11 (kinesin family member 11; plus strand). Cytogenetic location: 10q23.33.
Variant type: single nucleotide variant.
Coding change: c.1104A>G on transcript NM_004523.4 (MANE Select); coding-DNA position 1104, A replaced by G.
Protein change: p.Lys368=; no amino-acid change (lysine 368 retained).
Molecular consequence: synonymous variant.
Genome position (GRCh38, 1-based): chr10:92,616,808, A>G. VCF-style: chr10-92616808-A-G. GRCh37 (hg19) VCF-style: chr10-94376565-A-G.
Other names: c.1104A>G (NM_004523.3).
Identifiers: ClinVar variation 1640965 (VCV001640965.11), dbSNP rs144384635, ClinGen allele CA5604118.